The following is an entry in ClinVar:

NM_001164508.2(NEB):c.1754C>T (p.Ala585Val)

Gene: NEB (nebulin; minus strand). Cytogenetic location: 2q23.3.
Variant type: single nucleotide variant.
Coding change: c.1754C>T on transcript NM_001164508.2 (MANE Select); coding-DNA position 1754, C replaced by T.
Protein change: p.Ala585Val; replaces alanine 585 with valine.
Molecular consequence: missense variant.
Genome position (GRCh38, 1-based): chr2:151,694,550, G>A on the plus strand (C>T on the coding strand, the complement: NEB is on the minus strand). VCF-style: chr2-151694550-G-A. GRCh37 (hg19) VCF-style: chr2-152551064-G-A.
Other names: c.1754C>T, p.Ala585Val (NM_001164507.2, NM_001271208.2, NM_004543.5); short protein forms A585V.
Identifiers: ClinVar variation 948903 (VCV000948903.7), dbSNP rs2099581852, ClinGen allele CA348824612.

ClinVar aggregate classification (germline): Uncertain significance (1 of 4 stars; one submission).

Conditions:
Nemaline myopathy 2 (NEM2). Also called: Nemaline myopathy 2, autosomal recessive. Identifiers: MedGen C1850569, MONDO:0009725, OMIM 256030.

Submission:

Labcorp Genetics (formerly Invitae), Labcorp
Classification: Uncertain significance for Nemaline myopathy 2. Last evaluated: 2021-09-01. Review status: criteria provided, single submitter. Criteria: Invitae Variant Classification Sherloc (09022015). Collection method: clinical testing. Allele origin: germline.
Comment: This sequence change replaces alanine with valine at codon 585 of the NEB protein (p.Ala585Val). The alanine residue is moderately conserved and there is a small physicochemical difference between alanine and valine. This variant is not present in population databases (ExAC no frequency). This variant has not been reported in the literature in individuals affected with NEB-related conditions. Algorithms developed to predict the effect of missense changes on protein structure and function are either unavailable or do not agree on the potential impact of this missense change (SIFT: "Deleterious"; PolyPhen-2: "Not Available"; Align-GVGD: "Class C0"). In summary, the available evidence is currently insufficient to determine the role of this variant in disease. Therefore, it has been classified as a Variant of Uncertain Significance.